The following is an entry in ClinVar:

NM_018249.6(CDK5RAP2):c.5121G>A (p.Pro1707=)

Gene: CDK5RAP2 (CDK5 regulatory subunit associated protein 2; minus strand). Cytogenetic location: 9q33.2.
Variant type: single nucleotide variant.
Coding change: c.5121G>A on transcript NM_018249.6 (MANE Select); coding-DNA position 5121, G replaced by A.
Protein change: p.Pro1707=; no amino-acid change (proline 1707 retained).
Molecular consequence: synonymous variant. On other transcripts: non-coding transcript variant (5).
Genome position (GRCh38, 1-based): chr9:120,402,992, C>T on the plus strand (G>A on the coding strand, the complement: CDK5RAP2 is on the minus strand). VCF-style: chr9-120402992-C-T. GRCh37 (hg19) VCF-style: chr9-123165270-C-T.
Other names: c.4884G>A, p.Pro1628= (NM_001011649.3); c.4431G>A, p.Pro1477= (NM_001272039.2).
Identifiers: ClinVar variation 914939 (VCV000914939.13), dbSNP rs748889605, ClinGen allele CA5213363.

ClinVar aggregate classification (germline): Conflicting classifications of pathogenicity. Review status: criteria provided, conflicting classifications (1 of 4 stars). 3 submissions from 3 submitters: Uncertain significance (1); Likely benign (2). Last evaluated 2026-09-01.

Conditions:
Microcephaly 3, primary, autosomal recessive. Identifiers: Orphanet 2512, MedGen C1858108, MONDO:0011488, OMIM 604804.

Allele frequency attached by ClinVar (database versions not stated): TOPMed 0.00010; gnomAD 0.00011.
gnomAD v4.1: 147 of 1,614,062 alleles (0.0091%); highest among the groups gnomAD compares: Middle Eastern, 0.049%; no homozygotes.

Submissions (3):

CeGaT Center for Human Genetics Tuebingen
Classification: Likely benign. Last evaluated: 2026-09-01. Review status: criteria provided, single submitter. Criteria: CeGaT Center For Human Genetics Tuebingen Variant Classification Criteria Version 2. Collection method: clinical testing. Allele origin: germline. Affected: yes. Observed: 2 variant alleles.
Comment: CDK5RAP2: BP4, BP7

Labcorp Genetics (formerly Invitae), Labcorp
Classification: Likely benign. Last evaluated: 2025-03-25. Review status: criteria provided, single submitter. Criteria: Invitae Variant Classification Sherloc (09022015). Collection method: clinical testing. Allele origin: germline.

Illumina Laboratory Services, Illumina
Classification: Uncertain significance for Microcephaly 3, primary, autosomal recessive. Last evaluated: 2018-01-13. Review status: criteria provided, single submitter. Criteria: ICSL Variant Classification Criteria 13 December 2019. Collection method: clinical testing. Allele origin: germline.